The following is an entry in ClinVar:

ClinVar aggregate classification (germline): Uncertain significance (1 of 4 stars; one submission).

gnomAD v4.1: 4 of 1,613,960 alleles (0.00025%); highest among the groups gnomAD compares: Admixed American, 0.0067%; no homozygotes.

Submission:

Ambry Genetics
Classification: Uncertain significance. Last evaluated: 2025-11-22. Review status: criteria provided, single submitter. Criteria: Ambry Variant Classification Scheme 2023. Collection method: clinical testing. Allele origin: germline.
Comment: The p.D677H variant (also known as c.2029G>C) is located in coding exon 17 of the A2ML1 gene. The aspartic acid at codon 677 is replaced by histidine, an amino acid with similar properties. This change occurs in the first base pair of coding exon 17. This amino acid position is conserved. In addition, this alteration is predicted to be tolerated by in silico analysis. Based on the available evidence, the clinical significance of this variant remains unclear.

NM_144670.6(A2ML1):c.2029G>C (p.Asp677His)

Gene: A2ML1 (alpha-2-macroglobulin like 1; plus strand). Cytogenetic location: 12p13.31.
Variant type: single nucleotide variant.
Coding change: c.2029G>C on transcript NM_144670.6 (MANE Select); coding-DNA position 2029, G replaced by C.
Protein change: p.Asp677His; replaces aspartic acid 677 with histidine.
Molecular consequence: missense variant.
Genome position (GRCh38, 1-based): chr12:8,849,669, G>C. VCF-style: chr12-8849669-G-C. GRCh37 (hg19) VCF-style: chr12-9002265-G-C.
Other names: c.556G>C, p.Asp186His (NM_001282424.3); short protein forms D677H, D186H.
Identifiers: ClinVar variation 4635642 (VCV004635642.1).